The following is an entry in ClinVar:

ClinVar aggregate classification (germline): Benign/Likely benign. Review status: criteria provided, multiple submitters, no conflicts (2 of 4 stars). 8 submissions from 8 submitters: Benign (1); Likely benign (7). Last evaluated 2026-09-01.

Conditions:
MME-related disorder. Also called: MME-related condition.

Allele frequency attached by ClinVar (database versions not stated): 1000 Genomes Project 0.00100; 1000 Genomes Project 30x 0.00109; gnomAD exomes 0.00146 and 0.00163; ESP Exome Variant Server 0.00162; TOPMed 0.00172; ExAC 0.00216.
gnomAD v4.1: 2,369 of 1,601,552 alleles (0.15%); highest among the groups gnomAD compares: Middle Eastern, 0.63%; 3 homozygotes.

Submissions (8):

CeGaT Center for Human Genetics Tuebingen
Classification: Benign. Last evaluated: 2026-09-01. Review status: criteria provided, single submitter. Criteria: CeGaT Center For Human Genetics Tuebingen Variant Classification Criteria Version 2. Collection method: clinical testing. Allele origin: germline. Affected: yes. Observed: 5 variant alleles.
Comment: MME: BS1, BS2

Labcorp Genetics (formerly Invitae), Labcorp
Classification: Likely benign. Last evaluated: 2026-01-31. Review status: criteria provided, single submitter. Criteria: Invitae Variant Classification Sherloc (09022015). Collection method: clinical testing. Allele origin: germline.

PreventionGenetics, part of Exact Sciences
Classification: Likely benign for MME-related condition. Last evaluated: 2025-09-10. Review status: criteria provided, single submitter. Criteria: ACMG Guidelines, 2015. Collection method: clinical testing. Allele origin: germline.
Comment: This variant is classified as likely benign based on ACMG/AMP sequence variant interpretation guidelines (Richards et al. 2015 PMID: 25741868, with internal and published modifications).

Mayo Clinic Laboratories, Mayo Clinic
Classification: Likely benign. Last evaluated: 2025-09-08. Review status: criteria provided, single submitter. Criteria: ACMG Guidelines, 2015. Collection method: clinical testing. Allele origin: germline. Observed: 2 variant alleles.
Comment: BS1, BS2, PP3

Women's Health and Genetics/Laboratory Corporation of America, LabCorp
Classification: Likely benign. Last evaluated: 2024-11-29. Review status: criteria provided, single submitter. Criteria: LabCorp Variant Classification Summary - May 2015. Collection method: clinical testing. Allele origin: germline.
Comment: Variant summary: MME c.674G>C (p.Gly225Ala) results in a non-conservative amino acid change located in the Neprilysin-like (M13) protease domain profile (IPR000718) of the encoded protein sequence. Three of five in-silico tools predict a damaging effect of the variant on protein function. The variant allele was found at a frequency of 0.0016 in 244650 control chromosomes, predominantly at a frequency of 0.0027 within the Latino subpopulation in the gnomAD database. The observed variant frequency within Latino control individuals in the gnomAD database is approximately 2.41 fold of the estimated maximal expected allele frequency for a pathogenic variant in MME causing Charcot-Marie-Tooth disease, axonal, type 2T-AR phenotype (0.0011). To our knowledge, no occurrence of c.674G>C in individuals affected with Charcot-Marie-Tooth disease, axonal, type 2T-AR and no experimental evidence demonstrating its impact on protein function have been reported. ClinVar contains an entry for this variant (Variation ID: 718611). Based on the evidence outlined above, the variant was classified as likely benign.

Blueprint Genetics
Classification: Likely benign. Last evaluated: 2024-11-22. Review status: criteria provided, single submitter. Criteria: ACMG Guidelines, 2015. Collection method: clinical testing. Allele origin: germline.

GeneDx
Classification: Likely benign. Last evaluated: 2023-01-07. Review status: criteria provided, single submitter. Criteria: GeneDx Variant Classification Process June 2021. Collection method: clinical testing. Allele origin: germline. Affected: yes.
Comment: See Variant Classification Assertion Criteria.

Breakthrough Genomics
Classification: Likely benign. Review status: criteria provided, single submitter. Criteria: ACMG Guidelines, 2015. Collection method: not provided. Allele origin: germline. Inheritance: Autosomal recessive inheritance. Affected: yes.

Literature cited by the submitters: PubMed 20692264 (cited by Mayo Clinic Laboratories, Mayo Clinic); PubMed 30415211 (cited by Mayo Clinic Laboratories, Mayo Clinic); PubMed 31429185 (cited by Mayo Clinic Laboratories, Mayo Clinic); PubMed 33144514 (cited by Mayo Clinic Laboratories, Mayo Clinic); PubMed 34480178 (cited by Mayo Clinic Laboratories, Mayo Clinic); PubMed 39251209 (cited by Mayo Clinic Laboratories, Mayo Clinic).

NM_007289.4(MME):c.674G>C (p.Gly225Ala)

Gene: MME (membrane metalloendopeptidase; plus strand). Cytogenetic location: 3q25.2.
Variant type: single nucleotide variant.
Coding change: c.674G>C on transcript NM_007289.4 (MANE Select); coding-DNA position 674, G replaced by C.
Protein change: p.Gly225Ala; replaces glycine 225 with alanine.
Molecular consequence: missense variant.
Genome position (GRCh38, 1-based): chr3:155,118,765, G>C. VCF-style: chr3-155118765-G-C. GRCh37 (hg19) VCF-style: chr3-154836554-G-C.
Other names: p.Gly225Ala; c.674G>C, p.Gly225Ala (NM_000902.5, NM_001354642.2, NM_001354643.1 and 2 more transcripts); c.674G>C (NM_007289.3); short protein forms G225A.
Identifiers: ClinVar variation 718611 (VCV000718611.37), dbSNP rs147564881, ClinGen allele CA2675238.